The following is an entry in ClinVar:

NM_000038.6(APC):c.5908A>T (p.Ser1970Cys)

Gene: APC (APC regulator of Wnt signaling pathway; plus strand). Cytogenetic location: 5q22.2.
Variant type: single nucleotide variant.
Coding change: c.5908A>T on transcript NM_000038.6 (MANE Select); coding-DNA position 5908, A replaced by T.
Protein change: p.Ser1970Cys; replaces serine 1970 with cysteine.
Molecular consequence: missense variant.
Genome position (GRCh38, 1-based): chr5:112,841,502, A>T. VCF-style: chr5-112841502-A-T. GRCh37 (hg19) VCF-style: chr5-112177199-A-T.
Other names: c.5908A>T, p.Ser1970Cys (NM_001127510.3, NM_001354895.2); c.5854A>T, p.Ser1952Cys (NM_001127511.3); c.5962A>T, p.Ser1988Cys (NM_001354896.2); c.5938A>T, p.Ser1980Cys (NM_001354897.2); c.5833A>T, p.Ser1945Cys (NM_001354898.2); c.5824A>T, p.Ser1942Cys (NM_001354899.2); c.5785A>T, p.Ser1929Cys (NM_001354900.2); c.5731A>T, p.Ser1911Cys (NM_001354901.2); and 5 more; short protein forms S1869C, S1879C, S1952C, S1988C, S1687C, S1911C, S1980C, S1810C.
Identifiers: ClinVar variation 826048 (VCV000826048.4), dbSNP rs1561603616, ClinGen allele CA16034258.

ClinVar aggregate classification (germline): Uncertain significance (1 of 4 stars; one submission).

Conditions:
Hereditary cancer-predisposing syndrome. Also called: Neoplastic Syndromes, Hereditary; Tumor predisposition; Hereditary neoplastic syndrome; Hereditary Cancer Syndrome. Identifiers: Orphanet 140162, MedGen C0027672, MeSH D009386, MONDO:0015356.

Submission:

Ambry Genetics
Classification: Uncertain significance for Hereditary cancer-predisposing syndrome. Last evaluated: 2018-03-05. Review status: criteria provided, single submitter. Criteria: Ambry Variant Classification Scheme 2023. Collection method: clinical testing. Allele origin: germline.
Comment: The p.S1970C variant (also known as c.5908A>T), located in coding exon 15 of the APC gene, results from an A to T substitution at nucleotide position 5908. The serine at codon 1970 is replaced by cysteine, an amino acid with dissimilar properties. This amino acid position is highly conserved in available vertebrate species. In addition, in silico predictors for this gene do not accurately predict pathogenicity. Since supporting evidence is limited at this time, the clinical significance of this alteration remains unclear.